The following is an entry in ClinVar:

NM_130839.5(UBE3A):c.654CAA[1] (p.Asn220del)

Genes: SNHG14 (small nucleolar RNA host gene 14; plus strand), UBE3A (ubiquitin protein ligase E3A; minus strand). Cytogenetic location: 15q11.2.
Variant type: Microsatellite.
Coding change: c.654CAA[1] on transcript NM_130839.5 (MANE Select); one copy of the 3-base unit CAA starting at c.654; the reference has two copies in a row; one copy, 3 bases deleted.
Protein change: p.Asn220del; deletes asparagine 220.
Molecular consequence: inframe deletion. On other transcripts: non-coding transcript variant (1), intron variant (2).
Genome position (GRCh38, 1-based): chr15:25,371,515-25,371,517, TTG deleted on the plus strand (CAA on the coding strand, the reverse complement: UBE3A is on the minus strand); deleting any 3 consecutive bases within chr15:25,371,515-25,371,521 gives the same sequence; the position shown is the placement nearest the transcript's 3' end. VCF-style (leftmost placement, unchanged base first): chr15-25371514-ATTG-A. GRCh37 (hg19) VCF-style: chr15-25616661-ATTG-A.
Other names: c.663CAA[1], p.Asn223del (NM_000462.5); c.654CAA[1], p.Asn220del (NM_001354505.1, NM_001354538.2, NM_001354545.2); c.594CAA[1], p.Asn200del (NM_001354506.2, NM_001354507.2, NM_001354508.2 and 17 more transcripts); c.477CAA[1], p.Asn161del (NM_001354546.2); c.301+3948_301+3950del (NM_001354551.2); c.361+3948_361+3950del (NM_001354550.2); short protein forms N161del, N200del, N220del, N223del.
Identifiers: ClinVar variation 1308614 (VCV001308614.8), dbSNP rs763097042, ClinGen allele CA7435601.

ClinVar aggregate classification (germline): Uncertain significance. Review status: criteria provided, multiple submitters, no conflicts (2 of 4 stars). 2 submissions from 2 submitters: Uncertain significance (2). Last evaluated 2025-03-20.

Conditions:
Angelman syndrome (AS). Also called: HAPPY PUPPET SYNDROME. Identifiers: Orphanet 72, MedGen C0162635, MONDO:0007113, OMIM 105830. Disease mechanism: loss of function. Inheritance: AS is caused by disruption of maternally imprinted UBE3A located within the 15q11.2-q13 Angelman syndrome/Prader-Willi syndrome (AS/PWS) region., imprinting disorder.

Submissions (2):

GeneDx
Classification: Uncertain significance. Last evaluated: 2025-03-20. Review status: criteria provided, single submitter. Criteria: GeneDx Variant Classification Process June 2021. Collection method: clinical testing. Allele origin: germline. Affected: yes.
Comment: Not observed at significant frequency in large population cohorts (gnomAD); In-frame deletion of 1 amino acid in a non-repeat region; In silico analysis indicates that this variant does not alter protein structure/function; Has not been previously published as pathogenic or benign to our knowledge

Labcorp Genetics (formerly Invitae), Labcorp
Classification: Uncertain significance for Angelman syndrome. Last evaluated: 2021-10-29. Review status: criteria provided, single submitter. Criteria: Invitae Variant Classification Sherloc (09022015). Collection method: clinical testing. Allele origin: germline.
Comment: In summary, the available evidence is currently insufficient to determine the role of this variant in disease. Therefore, it has been classified as a Variant of Uncertain Significance. Experimental studies and prediction algorithms are not available or were not evaluated, and the functional significance of this variant is currently unknown. This variant has not been reported in the literature in individuals affected with UBE3A-related conditions. This variant is present in population databases (rs763097042, gnomAD 0.01%). This variant, c.597_599del, results in the deletion of 1 amino acid(s) of the UBE3A protein (p.Asn200del), but otherwise preserves the integrity of the reading frame.